The following is an entry in ClinVar:

NM_014806.5(RUSC2):c.2107T>C (p.Phe703Leu)

Gene: RUSC2 (RUN and SH3 domain containing 2; plus strand). Cytogenetic location: 9p13.3.
Variant type: single nucleotide variant.
Coding change: c.2107T>C on transcript NM_014806.5 (MANE Select); coding-DNA position 2107, T replaced by C.
Protein change: p.Phe703Leu; replaces phenylalanine 703 with leucine.
Molecular consequence: missense variant. On other transcripts: 5 prime UTR variant (1), non-coding transcript variant (1).
Genome position (GRCh38, 1-based): chr9:35,555,152, T>C. VCF-style: chr9-35555152-T-C. GRCh37 (hg19) VCF-style: chr9-35555149-T-C.
Other names: c.2107T>C, p.Phe703Leu (NM_001135999.2); c.-528T>C (NM_001330740.2); c.2107T>C (NM_001135999.1); short protein forms F703L.
Identifiers: ClinVar variation 1432744 (VCV001432744.4), dbSNP rs764544152, ClinGen allele CA5043803.

ClinVar aggregate classification (germline): Uncertain significance. Review status: criteria provided, multiple submitters, no conflicts (2 of 4 stars). 2 submissions from 2 submitters: Uncertain significance (2). Last evaluated 2023-10-25.

Allele frequency attached by ClinVar (database versions not stated): gnomAD 0.00001 and 0.00003; TOPMed 0.00001; gnomAD exomes 0.00005 and 0.00008; ExAC 0.00012.
gnomAD v4.1: 69 of 1,613,526 alleles (0.0043%); highest among the groups gnomAD compares: South Asian, 0.075%; no homozygotes.

Submissions (2):

Ambry Genetics
Classification: Uncertain significance. Last evaluated: 2023-10-25. Review status: criteria provided, single submitter. Criteria: Ambry Variant Classification Scheme 2023. Collection method: clinical testing. Allele origin: germline.

Labcorp Genetics (formerly Invitae), Labcorp
Classification: Uncertain significance. Last evaluated: 2022-06-29. Review status: criteria provided, single submitter. Criteria: Invitae Variant Classification Sherloc (09022015). Collection method: clinical testing. Allele origin: germline.
Comment: This sequence change replaces phenylalanine, which is neutral and non-polar, with leucine, which is neutral and non-polar, at codon 703 of the RUSC2 protein (p.Phe703Leu). This variant is present in population databases (rs764544152, gnomAD 0.06%). This variant has not been reported in the literature in individuals affected with RUSC2-related conditions. Algorithms developed to predict the effect of missense changes on protein structure and function are either unavailable or do not agree on the potential impact of this missense change (SIFT: "Deleterious"; PolyPhen-2: "Benign"; Align-GVGD: "Class C15"). In summary, the available evidence is currently insufficient to determine the role of this variant in disease. Therefore, it has been classified as a Variant of Uncertain Significance.